The following is an entry in ClinVar:

NM_001370259.2(MEN1):c.1481C>T (p.Pro494Leu)

Gene: MEN1 (menin 1; minus strand). Cytogenetic location: 11q13.1.
Variant type: single nucleotide variant.
Coding change: c.1481C>T on transcript NM_001370259.2 (MANE Select); coding-DNA position 1481, C replaced by T.
Protein change: p.Pro494Leu; replaces proline 494 with leucine.
Molecular consequence: missense variant.
Genome position (GRCh38, 1-based): chr11:64,804,686, G>A on the plus strand (C>T on the coding strand, the complement: MEN1 is on the minus strand). VCF-style: chr11-64804686-G-A. GRCh37 (hg19) VCF-style: chr11-64572158-G-A.
Other names: c.1481C>T, p.Pro494Leu (NM_001370261.2, NM_130799.3, NM_001370260.2); c.1376C>T, p.Pro459Leu (NM_001370262.2, NM_001370263.2); c.1496C>T, p.Pro499Leu (NM_130800.3, NM_130801.3, NM_130802.3 and 3 more transcripts); c.1607C>T, p.Pro536Leu (NM_001370251.2); short protein forms P499L, P494L, P459L, P536L.
Identifiers: ClinVar variation 403844 (VCV000403844.17), dbSNP rs1060499993, ClinGen allele CA16613663.
Genomic context (GRCh38, chr11:64,804,686, plus strand): 5'-GGTCCTGACACTGCACCCTGGCCGGTGCCCAGGCCCTTGTCCAGTGCTGGCTTCTTGGGC[G>A]GCGGGGGCTCCTCTGGCTTGGACTCCCGCCGTGGGCCCCGCCGCCGGCCTTCCCGGGCTT-3'
Protein context (NP_001357188.2, residues 484-504): RRESKPEEPP[Pro494Leu]PKKPALDKGL

ClinVar aggregate classification (germline): Conflicting classifications of pathogenicity. Review status: criteria provided, conflicting classifications (1 of 4 stars). 3 submissions from 3 submitters: Uncertain significance (2); Likely benign (1). Last evaluated 2026-01-20.

Conditions:
Hereditary cancer-predisposing syndrome. Also called: Tumor predisposition; Neoplastic Syndromes, Hereditary; Hereditary Cancer Syndrome; Hereditary neoplastic syndrome. Identifiers: Orphanet 140162, MedGen C0027672, MeSH D009386, MONDO:0015356.
Multiple endocrine neoplasia, type 1 (MEN1). Also called: MEN I; WERMER SYNDROME; Endocrine adenomatosis multiple; MEN 1; MEA I. Identifiers: Orphanet 652, MedGen C0025267, MeSH D018761, MONDO:0007540, OMIM 131100.

Allele frequency attached by ClinVar (database versions not stated): gnomAD 0.00001; gnomAD exomes 0.00001; TOPMed 0.00001.
gnomAD v4.1: 11 of 1,594,226 alleles (0.00069%); highest among the groups gnomAD compares: South Asian, 0.0022%; no homozygotes.

Submissions (3):

Labcorp Genetics (formerly Invitae), Labcorp
Classification: Likely benign for Multiple endocrine neoplasia, type 1. Last evaluated: 2026-01-20. Review status: criteria provided, single submitter. Criteria: Invitae Variant Classification Sherloc (09022015). Collection method: clinical testing. Allele origin: germline.

Ambry Genetics
Classification: Uncertain significance for Hereditary cancer-predisposing syndrome. Last evaluated: 2024-02-19. Review status: criteria provided, single submitter. Criteria: Ambry Variant Classification Scheme 2023. Collection method: clinical testing. Allele origin: germline.
Comment: The p.P494L variant (also known as c.1481C>T), located in coding exon 9 of the MEN1 gene, results from a C to T substitution at nucleotide position 1481. The proline at codon 494 is replaced by leucine, an amino acid with similar properties. This alteration was identified in an individual with ACTH-independent macronodular adrenal hyperplasia and a thyroid adenoma (Hsiao HP et al. J Clin Endocrinol Metab, 2009 Aug;94:2930-7). This amino acid position is well conserved in available vertebrate species. In addition, the in silico prediction for this alteration is inconclusive. Based on the available evidence, the clinical significance of this alteration remains unclear.

Revvity Omics, Revvity
Classification: Uncertain significance for Multiple endocrine neoplasia, type 1. Last evaluated: 2021-08-24. Review status: criteria provided, single submitter. Criteria: ACMG Guidelines, 2015. Collection method: clinical testing. Allele origin: germline.

Literature cited by the submitters: PubMed 19509103 (cited by Ambry Genetics).